The following is an entry in ClinVar:

NM_000492.4(CFTR):c.2668C>A (p.Gln890Lys)

Gene: CFTR (CF transmembrane conductance regulator; plus strand). Cytogenetic location: 7q31.2.
Variant type: single nucleotide variant.
Coding change: c.2668C>A on transcript NM_000492.4 (MANE Select); coding-DNA position 2668, C replaced by A.
Protein change: p.Gln890Lys; replaces glutamine 890 with lysine.
Molecular consequence: missense variant.
Genome position (GRCh38, 1-based): chr7:117,603,542, C>A. VCF-style: chr7-117603542-C-A. GRCh37 (hg19) VCF-style: chr7-117243596-C-A.
Other names: short protein forms Q890K.
Identifiers: ClinVar variation 4001846 (VCV004001846.1).

ClinVar aggregate classification (germline): Uncertain significance (1 of 4 stars; one submission).

Conditions:
Cystic fibrosis (CF). Also called: MUCOVISCIDOSIS. Identifiers: Orphanet 586, MedGen C0010674, MONDO:0009061, OMIM 219700. Disease mechanism: loss of function.

Submission:

Ambry Genetics
Classification: Uncertain significance for Cystic fibrosis. Last evaluated: 2025-04-19. Review status: criteria provided, single submitter. Criteria: Ambry Variant Classification Scheme 2023. Collection method: clinical testing. Allele origin: germline.
Comment: The p.Q890K variant (also known as c.2668C>A), located in coding exon 17 of the CFTR gene, results from a C to A substitution at nucleotide position 2668. The glutamine at codon 890 is replaced by lysine, an amino acid with similar properties. This amino acid position is conserved. In addition, this alteration is predicted to be tolerated by in silico analysis. Based on the available evidence, the clinical significance of this variant remains unclear.